The following is an entry in ClinVar:

NM_144599.5(NIPA1):c.275C>T (p.Thr92Met)

Gene: NIPA1 (NIPA magnesium transporter 1; plus strand). Cytogenetic location: 15q11.2.
Variant type: single nucleotide variant.
Coding change: c.275C>T on transcript NM_144599.5 (MANE Select); coding-DNA position 275, C replaced by T.
Protein change: p.Thr92Met; replaces threonine 92 with methionine.
Molecular consequence: missense variant.
Genome position (GRCh38, 1-based): chr15:22,812,211, C>T. VCF-style: chr15-22812211-C-T. GRCh37 (hg19) VCF-style: chr15-23060857-G-A.
Other names: p.Thr92Met; c.50C>T, p.Thr17Met (NM_001142275.1); short protein forms T17M, T92M.
Identifiers: ClinVar variation 1413405 (VCV001413405.9), dbSNP rs765306724, ClinGen allele CA7426148.

ClinVar aggregate classification (germline): Uncertain significance. Review status: criteria provided, multiple submitters, no conflicts (2 of 4 stars). 2 submissions from 2 submitters: Uncertain significance (2). Last evaluated 2024-09-30.

Conditions:
Hereditary spastic paraplegia 6 (SPG6). Also called: SPASTIC PARAPLEGIA 6, AUTOSOMAL DOMINANT. Identifiers: Orphanet 100988, MedGen C1838192, MONDO:0010878, OMIM 600363.

Allele frequency attached by ClinVar (database versions not stated): gnomAD 0.00001; TOPMed 0.00002; ExAC 0.00003; gnomAD exomes 0.00004 and 0.00005.
gnomAD v4.1: 54 of 1,613,672 alleles (0.0033%); highest among the groups gnomAD compares: Admixed American, 0.012%; no homozygotes.

Submissions (2):

Labcorp Genetics (formerly Invitae), Labcorp
Classification: Uncertain significance for Hereditary spastic paraplegia 6. Last evaluated: 2024-09-30. Review status: criteria provided, single submitter. Criteria: Invitae Variant Classification Sherloc (09022015). Collection method: clinical testing. Allele origin: germline.
Comment: This sequence change replaces threonine, which is neutral and polar, with methionine, which is neutral and non-polar, at codon 92 of the NIPA1 protein (p.Thr92Met). This variant is present in population databases (rs765306724, gnomAD 0.02%). This variant has not been reported in the literature in individuals affected with NIPA1-related conditions. ClinVar contains an entry for this variant (Variation ID: 1413405). An algorithm developed to predict the effect of missense changes on protein structure and function (PolyPhen-2) suggests that this variant is likely to be disruptive. In summary, the available evidence is currently insufficient to determine the role of this variant in disease. Therefore, it has been classified as a Variant of Uncertain Significance.

Mayo Clinic Laboratories, Mayo Clinic
Classification: Uncertain significance. Last evaluated: 2024-01-19. Review status: criteria provided, single submitter. Criteria: ACMG Guidelines, 2015. Collection method: clinical testing. Allele origin: germline. Observed: 1 variant allele.
Comment: BS2